The following is an entry in ClinVar:

ClinVar aggregate classification (germline): Uncertain significance. Review status: criteria provided, multiple submitters, no conflicts (2 of 4 stars). 2 submissions from 2 submitters: Uncertain significance (2). Last evaluated 2022-10-16.

Conditions:
Hereditary cancer-predisposing syndrome. Also called: Hereditary neoplastic syndrome; Neoplastic Syndromes, Hereditary; Hereditary Cancer Syndrome; Tumor predisposition. Identifiers: Orphanet 140162, MedGen C0027672, MeSH D009386, MONDO:0015356.
Familial adenomatous polyposis 1 (FAP1). Also called: FAMILIAL ADENOMATOUS POLYPOSIS 1, ATTENUATED; POLYPOSIS, ADENOMATOUS INTESTINAL. Identifiers: MedGen C2713442, MONDO:0021056, OMIM 175100. Disease mechanism: loss of function.

Submissions (2):

Labcorp Genetics (formerly Invitae), Labcorp
Classification: Uncertain significance for Familial adenomatous polyposis 1. Last evaluated: 2022-10-16. Review status: criteria provided, single submitter. Criteria: Invitae Variant Classification Sherloc (09022015). Collection method: clinical testing. Allele origin: germline.
Comment: In summary, the available evidence is currently insufficient to determine the role of this variant in disease. Therefore, it has been classified as a Variant of Uncertain Significance. Advanced modeling of protein sequence and biophysical properties (such as structural, functional, and spatial information, amino acid conservation, physicochemical variation, residue mobility, and thermodynamic stability) performed at Invitae indicates that this missense variant is not expected to disrupt APC protein function. This variant has not been reported in the literature in individuals affected with APC-related conditions. This variant is not present in population databases (gnomAD no frequency). This sequence change replaces lysine, which is basic and polar, with glutamic acid, which is acidic and polar, at codon 1817 of the APC protein (p.Lys1817Glu).

Ambry Genetics
Classification: Uncertain significance for Hereditary cancer-predisposing syndrome. Last evaluated: 2019-12-09. Review status: criteria provided, single submitter. Criteria: Ambry Variant Classification Scheme 2023. Collection method: clinical testing. Allele origin: germline.
Comment: The p.K1817E variant (also known as c.5449A>G), located in coding exon 15 of the APC gene, results from an A to G substitution at nucleotide position 5449. The lysine at codon 1817 is replaced by glutamic acid, an amino acid with similar properties. This amino acid position is highly conserved in available vertebrate species. In addition, in silico predictors for this gene do not accurately predict pathogenicity. Since supporting evidence is limited at this time, the clinical significance of this alteration remains unclear.

NM_000038.6(APC):c.5449A>G (p.Lys1817Glu)

Gene: APC (APC regulator of Wnt signaling pathway; plus strand). Cytogenetic location: 5q22.2.
Variant type: single nucleotide variant.
Coding change: c.5449A>G on transcript NM_000038.6 (MANE Select); coding-DNA position 5449, A replaced by G.
Protein change: p.Lys1817Glu; replaces lysine 1817 with glutamic acid.
Molecular consequence: missense variant.
Genome position (GRCh38, 1-based): chr5:112,841,043, A>G. VCF-style: chr5-112841043-A-G. GRCh37 (hg19) VCF-style: chr5-112176740-A-G.
Other names: c.5449A>G, p.Lys1817Glu (NM_001127510.3, NM_001354895.2, NM_001407450.1); c.5395A>G, p.Lys1799Glu (NM_001127511.3); c.5503A>G, p.Lys1835Glu (NM_001354896.2, NM_001407447.1, NM_001407448.1 and 1 more transcripts); c.5479A>G, p.Lys1827Glu (NM_001354897.2); c.5374A>G, p.Lys1792Glu (NM_001354898.2); c.5365A>G, p.Lys1789Glu (NM_001354899.2); c.5326A>G, p.Lys1776Glu (NM_001354900.2); c.5272A>G, p.Lys1758Glu (NM_001354901.2, NM_001407453.1); and 11 more; short protein forms K1433E, K1534E, K1657E, K1688E, K1691E, K1716E, K1726E, K1734E.
Identifiers: ClinVar variation 1721714 (VCV001721714.8), dbSNP rs2149940468, ClinGen allele CA16033248.
Genomic context (GRCh38, chr5:112,841,043, plus strand): 5'-AATAATTTAAATGCTGAGAGAGTTTTCTCAGACAACAAAGATTCAAAGAAACAGAATTTG[A>G]AAAATAATTCCAAGGTCTTCAATGATAAGCTCCCAAATAATGAAGATAGAGTCAGAGGAA-3'
Protein context (NP_000029.2, residues 1807-1827): DNKDSKKQNL[Lys1817Glu]NNSKVFNDKL